The following is an entry in ClinVar:

ClinVar aggregate classification (germline): Uncertain significance. Review status: criteria provided, multiple submitters, no conflicts (2 of 4 stars). 2 submissions from 2 submitters: Uncertain significance (2). Last evaluated 2025-05-30.

Conditions:
Inborn genetic diseases. Identifiers: MedGen C0950123, MeSH D030342.
Cerebral folate transport deficiency. Also called: NEURODEGENERATION DUE TO CEREBRAL FOLATE TRANSPORT DEFICIENCY; FOLR1-Related Cerebral Folate Transport Deficiency; Neurodegenerative syndrome due to cerebral folate transport deficiency; FOLATE RECEPTOR DEFICIENCY; Cerebral folate deficiency syndrome. Identifiers: Orphanet 217382, MedGen C2751584, MONDO:0013110, OMIM 613068. Disease mechanism: loss of function.

Allele frequency attached by ClinVar (database versions not stated): gnomAD exomes below 0.00001; TOPMed 0.00001.
gnomAD v4.1: 2 of 1,614,214 alleles (0.00012%); highest among the groups gnomAD compares: South Asian, 0.0011%; no homozygotes.

Submissions (2):

Ambry Genetics
Classification: Uncertain significance for Inborn genetic diseases. Last evaluated: 2025-05-30. Review status: criteria provided, single submitter. Criteria: Ambry Variant Classification Scheme 2023. Collection method: clinical testing. Allele origin: germline.

Labcorp Genetics (formerly Invitae), Labcorp
Classification: Uncertain significance for Cerebral folate transport deficiency. Last evaluated: 2024-10-30. Review status: criteria provided, single submitter. Criteria: Invitae Variant Classification Sherloc (09022015). Collection method: clinical testing. Allele origin: germline.
Comment: This sequence change replaces glutamic acid, which is acidic and polar, with glycine, which is neutral and non-polar, at codon 127 of the FOLR1 protein (p.Glu127Gly). This variant is present in population databases (no rsID available, gnomAD 0.003%). This variant has not been reported in the literature in individuals affected with FOLR1-related conditions. ClinVar contains an entry for this variant (Variation ID: 1502112). Invitae Evidence Modeling of protein sequence and biophysical properties (such as structural, functional, and spatial information, amino acid conservation, physicochemical variation, residue mobility, and thermodynamic stability) indicates that this missense variant is not expected to disrupt FOLR1 protein function with a negative predictive value of 80%. In summary, the available evidence is currently insufficient to determine the role of this variant in disease. Therefore, it has been classified as a Variant of Uncertain Significance.

NM_016729.3(FOLR1):c.380A>G (p.Glu127Gly)

Genes: FOLR1 (folate receptor alpha; plus strand), FOLR1-AS1 (FOLR1 antisense RNA 1; minus strand). Cytogenetic location: 11q13.4.
Variant type: single nucleotide variant.
Coding change: c.380A>G on transcript NM_016729.3 (MANE Select); coding-DNA position 380, A replaced by G.
Protein change: p.Glu127Gly; replaces glutamic acid 127 with glycine.
Molecular consequence: missense variant.
Genome position (GRCh38, 1-based): chr11:72,195,634, A>G. VCF-style: chr11-72195634-A-G. GRCh37 (hg19) VCF-style: chr11-71906678-A-G.
Other names: c.380A>G, p.Glu127Gly (NM_000802.3, NM_016724.3, NM_016725.3); c.380A>G (NM_016725.2); short protein forms E127G.
Identifiers: ClinVar variation 1502112 (VCV001502112.9), dbSNP rs964480401, ClinGen allele CA224404966.
Genomic context (GRCh38, chr11:72,195,634, plus strand): 5'-TTGAACCTGAGCCCTTCTTTTGTATCAAAATCACCCAGGTGGATCAGAGCTGGCGCAAAG[A>G]GCGGGTACTGAACGTGCCCCTGTGCAAAGAGGACTGTGAGCAATGGTGGGAAGATTGTCG-3'
Protein context (NP_057941.1, residues 117-137): IQQVDQSWRK[Glu127Gly]RVLNVPLCKE